The following is an entry in ClinVar:

NM_000304.4(PMP22):c.449G>A (p.Gly150Asp)

Gene: PMP22 (peripheral myelin protein 22; minus strand). Cytogenetic location: 17p12.
Variant type: single nucleotide variant.
Coding change: c.449G>A on transcript NM_000304.4 (MANE Select); coding-DNA position 449, G replaced by A.
Protein change: p.Gly150Asp; replaces glycine 150 with aspartic acid.
Molecular consequence: missense variant. On other transcripts: non-coding transcript variant (2).
Genome position (GRCh38, 1-based): chr17:15,230,951, C>T on the plus strand (G>A on the coding strand, the complement: PMP22 is on the minus strand). VCF-style: chr17-15230951-C-T. GRCh37 (hg19) VCF-style: chr17-15134268-C-T.
Other names: c.449G>A, p.Gly150Asp (NM_001281455.2, NM_001281456.2, NM_153321.3 and 1 more transcripts); short protein forms G150D.
Identifiers: ClinVar variation 245805 (VCV000245805.9), dbSNP rs879253954, ClinGen allele CA10584542.
Genomic context (GRCh38, chr17:15,230,951, plus strand): 5'-AGCCTCAGACAGACCGTCTGGGCGCCTCATTCGCGTTTCCGCAAGATCACATAGATGACA[C>T]CGCTGAGAAGGGCCAGGGGGAAGGCCACCCAGGCCAGGATGTAGGCGAAACCGTAGGAGT-3'
Protein context (NP_000295.1, residues 140-160): WVAFPLALLS[Gly150Asp]VIYVILRKRE

ClinVar aggregate classification (germline): Pathogenic. Review status: criteria provided, multiple submitters, no conflicts (2 of 4 stars). 3 submissions from 3 submitters: Pathogenic (2). 1 of the submissions does not count toward it. Last evaluated 2021-06-11.

Conditions:
Charcot-Marie-Tooth disease, type I (CMT1). Also called: Charcot-Marie-Tooth, Type 1; Charcot-Marie-Tooth disease type 1. Identifiers: Orphanet 65753, MedGen C0751036, MONDO:0019011.
Dejerine-Sottas disease. Also called: DEJERINE-SOTTAS NEUROPATHY; HMSN Type III; Hereditary motor and sensory neuropathy 3; Charcot-Marie-Tooth disease type 3; HEREDITARY MOTOR AND SENSORY NEUROPATHY TYPE III. Identifiers: Orphanet 64748, MedGen C0011195, MONDO:0007790, OMIM 145900.

Submissions (3):

Labcorp Genetics (formerly Invitae), Labcorp
Classification: Pathogenic for Charcot-Marie-Tooth disease, type I. Last evaluated: 2021-06-11. Review status: criteria provided, single submitter. Criteria: Invitae Variant Classification Sherloc (09022015). Collection method: clinical testing. Allele origin: germline.
Comment: This variant has been reported to have arisen de novo in an individual affected with Dejerine-Sottas neuropathy (PMID: 8995589). ClinVar contains an entry for this variant (Variation ID: 245805). This sequence change replaces glycine with aspartic acid at codon 150 of the PMP22 protein (p.Gly150Asp). The glycine residue is highly conserved and there is a moderate physicochemical difference between glycine and aspartic acid. This variant is not present in population databases (ExAC no frequency). Multiple experimental studies have shown that this missense change affects the stability of the PMP22 protein and allows for the formation of intracellular protein aggregates instead of normal PMP22 incorporation into the plasma membrane (PMID: 26102530, 18795802, 25385046, 10078969, 15474367, 9425015, 15537650, 10982389). Additionally, this variant has been shown to be responsible for the Trembler mouse phenotype which is used to model Charcot-Marie-Tooth disease in experimental studies (PMID: 1552943). For these reasons, this variant has been classified as Pathogenic.

GeneDx
Classification: Pathogenic. Last evaluated: 2017-01-04. Review status: criteria provided, single submitter. Criteria: GeneDx Variant Classification (06012015). Collection method: clinical testing. Allele origin: germline. Affected: yes.
Comment: The G150D mutation in the PMP22 gene has been reported previously in two patients with Dejerine-Sottas neuropathy (Ionasescu et al., 1997); the patients were mother and son and the mutation had occurred de novo in the mother. The G150D mutation was not observed in approximately 6500 individuals of European and African American ancestry in the NHLBI Exome Sequencing Project, indicating it is not a common benign variant in these populations. The G150D variant is a non-conservative amino acid substitution, which is likely to impact secondary protein structure as these residues differ in polarity, charge, size and/or other properties. This substitution occurs at a position that is conserved across species. In silico analysis predicts this variant is probably damaging to the protein structure/function. Functional studies demonstrate that the G150D mutation causes destabilization of the folded protein structure and depressed folding kinetics (Myers et al., 2008). A missense variant in the same residue (G150C) has been reported in the Human Gene Mutation Database in association with Dejerine-Sottas syndrome (Stenson et al., 2014), supporting the functional importance of this region of the protein. The presence of this variant is consistent with a diagnosis of Dejerine-Sottas neuropathy

Inherited Neuropathy Consortium
Classification: Uncertain significance for Dejerine-Sottas disease. Review status: no assertion criteria provided. Collection method: literature only. Allele origin: germline. Affected: yes. Not counted in ClinVar's aggregate classification.

Literature cited by the submitters: PubMed 8995589 (cited by Labcorp Genetics (formerly Invitae), Labcorp and Inherited Neuropathy Consortium); PubMed 26102530 (cited by Labcorp Genetics (formerly Invitae), Labcorp); PubMed 18795802 (cited by Labcorp Genetics (formerly Invitae), Labcorp); PubMed 25385046 (cited by Labcorp Genetics (formerly Invitae), Labcorp); PubMed 10078969 (cited by Labcorp Genetics (formerly Invitae), Labcorp); PubMed 15474367 (cited by Labcorp Genetics (formerly Invitae), Labcorp); PubMed 9425015 (cited by Labcorp Genetics (formerly Invitae), Labcorp); PubMed 15537650 (cited by Labcorp Genetics (formerly Invitae), Labcorp); PubMed 10982389 (cited by Labcorp Genetics (formerly Invitae), Labcorp); PubMed 1552943 (cited by Labcorp Genetics (formerly Invitae), Labcorp).